The following is an entry in ClinVar:

NM_002470.4(MYH3):c.2990A>G (p.Lys997Arg)

Gene: MYH3 (myosin heavy chain 3; minus strand). Cytogenetic location: 17p13.1.
Variant type: single nucleotide variant.
Coding change: c.2990A>G on transcript NM_002470.4 (MANE Select); coding-DNA position 2990, A replaced by G.
Protein change: p.Lys997Arg; replaces lysine 997 with arginine.
Molecular consequence: missense variant.
Genome position (GRCh38, 1-based): chr17:10,639,410, T>C on the plus strand (A>G on the coding strand, the complement: MYH3 is on the minus strand). VCF-style: chr17-10639410-T-C. GRCh37 (hg19) VCF-style: chr17-10542727-T-C.
Other names: short protein forms K997R.
Identifiers: ClinVar variation 3690136 (VCV003690136.2).
Genomic context (GRCh38, chr17:10,639,410, plus strand): 5'-TTGTCTTCTTCAGCTTGGAGGTCATCCAAGGCCTGCTGGTGCGCCTCTTGGAGGGCCTTC[T>C]TCTCTCTGGTTAACTTTGCAATTGTTTCATCTAACCCAGAGAGTTCCTCAGTAAGGTTTT-3'
Protein context (NP_002461.2, residues 987-1007): DETIAKLTRE[Lys997Arg]KALQEAHQQA

ClinVar aggregate classification (germline): Uncertain significance (1 of 4 stars; one submission).

gnomAD v4.1: 49 of 1,614,052 alleles (0.003%); highest among the groups gnomAD compares: East Asian, 0.0089%; no homozygotes.

Submission:

Labcorp Genetics (formerly Invitae), Labcorp
Classification: Uncertain significance. Last evaluated: 2024-08-31. Review status: criteria provided, single submitter. Criteria: Invitae Variant Classification Sherloc (09022015). Collection method: clinical testing. Allele origin: germline.
Comment: This sequence change replaces lysine, which is basic and polar, with arginine, which is basic and polar, at codon 997 of the MYH3 protein (p.Lys997Arg). This variant is present in population databases (rs149933943, gnomAD 0.02%). This variant has not been reported in the literature in individuals affected with MYH3-related conditions. Invitae Evidence Modeling of protein sequence and biophysical properties (such as structural, functional, and spatial information, amino acid conservation, physicochemical variation, residue mobility, and thermodynamic stability) indicates that this missense variant is not expected to disrupt MYH3 protein function with a negative predictive value of 95%. In summary, the available evidence is currently insufficient to determine the role of this variant in disease. Therefore, it has been classified as a Variant of Uncertain Significance.